The following is an entry in ClinVar:

ClinVar aggregate classification (germline): Benign. Review status: criteria provided, multiple submitters, no conflicts (2 of 4 stars). 2 submissions from 2 submitters: Benign (2). Last evaluated 2018-06-16.

Allele frequency attached by ClinVar (database versions not stated): 1000 Genomes Project 0.02975; 1000 Genomes Project 30x 0.03029; TOPMed 0.05275; gnomAD 0.06015 and 0.06166; gnomAD exomes 0.07860.
gnomAD v4.1: 73,789 of 980,746 alleles (7.5%); highest among the groups gnomAD compares: Non-Finnish European, 9%; 3,307 homozygotes.

Submissions (2):

GeneDx
Classification: Benign. Last evaluated: 2018-06-16. Review status: criteria provided, single submitter. Criteria: GeneDx Variant Classification (06012015). Collection method: clinical testing. Allele origin: germline. Affected: yes.
Comment: This variant is considered likely benign or benign based on one or more of the following criteria: it is a conservative change, it occurs at a poorly conserved position in the protein, it is predicted to be benign by multiple in silico algorithms, and/or has population frequency not consistent with disease.

Breakthrough Genomics
Classification: Benign. Review status: criteria provided, single submitter. Criteria: ACMG Guidelines, 2015. Collection method: not provided. Allele origin: germline. Inheritance: Autosomal recessive inheritance. Affected: yes.

NM_004369.4(COL6A3):c.6691-115G>A

Gene: COL6A3 (collagen type VI alpha 3 chain; minus strand). Cytogenetic location: 2q37.3.
Variant type: single nucleotide variant.
Coding change: c.6691-115G>A on transcript NM_004369.4 (MANE Select); 115 bases into the intron before coding-DNA position 6691, G replaced by A.
Molecular consequence: intron variant.
Genome position (GRCh38, 1-based): chr2:237,352,699, C>T on the plus strand (G>A on the coding strand, the complement: COL6A3 is on the minus strand). VCF-style: chr2-237352699-C-T. GRCh37 (hg19) VCF-style: chr2-238261342-C-T.
Other names: c.4870-115G>A (NM_057166.5); c.6073-115G>A (NM_057167.4).
Identifiers: ClinVar variation 681330 (VCV000681330.2), dbSNP rs35309484, ClinGen allele CA11103457.